The following is an entry in ClinVar:

NM_000465.4(BARD1):c.107del (p.His36fs)

Gene: BARD1 (BRCA1 associated RING domain 1; minus strand). Cytogenetic location: 2q35.
Variant type: Deletion.
Coding change: c.107del on transcript NM_000465.4 (MANE Select); coding-DNA position 107, one base deleted (A; older notation c.107delA).
Protein change: p.His36fs; shifts the reading frame from histidine 36.
Molecular consequence: frameshift variant. On other transcripts: non-coding transcript variant (3).
Genome position (GRCh38, 1-based): chr2:214,809,463, T deleted on the plus strand (A on the coding strand, the reverse complement: BARD1 is on the minus strand). VCF-style (leftmost placement, unchanged base first): chr2-214809462-GT-G. GRCh37 (hg19) VCF-style: chr2-215674186-GT-G.
Other names: c.107del, p.His36fs (NM_001282543.2, NM_001282545.2, NM_001282548.2 and 1 more transcripts); short protein forms H36fs.
Identifiers: ClinVar variation 1786015 (VCV001786015.2), dbSNP rs2469638141, ClinGen allele CA2580065608.

ClinVar aggregate classification (germline): Pathogenic (1 of 4 stars; one submission).

Conditions:
Hereditary cancer-predisposing syndrome. Also called: Neoplastic Syndromes, Hereditary; Tumor predisposition; Hereditary Cancer Syndrome; Hereditary neoplastic syndrome. Identifiers: Orphanet 140162, MedGen C0027672, MeSH D009386, MONDO:0015356.

Submission:

Ambry Genetics
Classification: Pathogenic for Hereditary cancer-predisposing syndrome. Last evaluated: 2019-08-16. Review status: criteria provided, single submitter. Criteria: Ambry Variant Classification Scheme 2023. Collection method: clinical testing. Allele origin: germline.
Comment: The c.107delA variant, located in coding exon 1 of the BARD1 gene, results from a deletion of one nucleotide at nucleotide position 107, causing a translational frameshift with a predicted alternate stop codon (p.H36Pfs*22). This alteration is expected to result in loss of function by premature protein truncation or nonsense-mediated mRNA decay. As such, this alteration is interpreted as a disease-causing mutation.